The following is an entry in ClinVar:

ClinVar aggregate classification (germline): Uncertain significance (1 of 4 stars; one submission).

Conditions:
SLC35A1-congenital disorder of glycosylation. Also called: CONGENITAL DISORDER OF GLYCOSYLATION, TYPE IIf; CDG IIf; SLC35A1-CDG. Identifiers: Orphanet 238459, MedGen C1970344, MONDO:0011342, OMIM 603585.

Submission:

Labcorp Genetics (formerly Invitae), Labcorp
Classification: Uncertain significance for SLC35A1-congenital disorder of glycosylation. Last evaluated: 2022-08-10. Review status: criteria provided, single submitter. Criteria: Invitae Variant Classification Sherloc (09022015). Collection method: clinical testing. Allele origin: germline.
Comment: In summary, the available evidence is currently insufficient to determine the role of this variant in disease. Therefore, it has been classified as a Variant of Uncertain Significance. Algorithms developed to predict the effect of missense changes on protein structure and function are either unavailable or do not agree on the potential impact of this missense change (SIFT: "Deleterious"; PolyPhen-2: "Benign"; Align-GVGD: "Class C0"). ClinVar contains an entry for this variant (Variation ID: 1385696). This variant has not been reported in the literature in individuals affected with SLC35A1-related conditions. This variant is not present in population databases (gnomAD no frequency). This sequence change replaces isoleucine, which is neutral and non-polar, with leucine, which is neutral and non-polar, at codon 295 of the SLC35A1 protein (p.Ile295Leu).

NM_006416.5(SLC35A1):c.883A>C (p.Ile295Leu)

Gene: SLC35A1 (solute carrier family 35 member A1; plus strand). Cytogenetic location: 6q15.
Variant type: single nucleotide variant.
Coding change: c.883A>C on transcript NM_006416.5 (MANE Select); coding-DNA position 883, A replaced by C.
Protein change: p.Ile295Leu; replaces isoleucine 295 with leucine.
Molecular consequence: missense variant.
Genome position (GRCh38, 1-based): chr6:87,509,172, A>C. VCF-style: chr6-87509172-A-C. GRCh37 (hg19) VCF-style: chr6-88218890-A-C.
Other names: c.706A>C, p.Ile236Leu (NM_001168398.2); short protein forms I236L, I295L.
Identifiers: ClinVar variation 1385696 (VCV001385696.6), dbSNP rs2127977717, ClinGen allele CA364915484.